The following is an entry in ClinVar:

NM_004612.4(TGFBR1):c.71C>T (p.Ala24Val)

Gene: TGFBR1 (transforming growth factor beta receptor 1; plus strand). Cytogenetic location: 9q22.33.
Variant type: single nucleotide variant.
Coding change: c.71C>T on transcript NM_004612.4 (MANE Select); coding-DNA position 71, C replaced by T.
Protein change: p.Ala24Val; replaces alanine 24 with valine.
Molecular consequence: missense variant.
Genome position (GRCh38, 1-based): chr9:99,105,276, C>T. VCF-style: chr9-99105276-C-T. GRCh37 (hg19) VCF-style: chr9-101867558-C-T.
Other names: c.71C>T, p.Ala24Val (NM_001130916.3, NM_001306210.2); short protein forms A24V.
Identifiers: ClinVar variation 641375 (VCV000641375.13), dbSNP rs992252059, ClinGen allele CA196864812.
Genomic context (GRCh38, chr9:99,105,276, plus strand): 5'-CGGTCGCTGCTCCGCGTCCCCGGCTGCTCCTCCTCGTGCTGGCGGCGGCGGCGGCGGCGG[C>T]GGCGGCGCTGCTCCCGGGGGCGACGGGTGAGCGGCGGCGCGGCGGGCGGGCGACTGCGGG-3'
Protein context (NP_004603.1, residues 14-34): LLVLAAAAAA[Ala24Val]AALLPGATAL

ClinVar aggregate classification (germline): Uncertain significance. Review status: criteria provided, multiple submitters, no conflicts (2 of 4 stars). 3 submissions from 3 submitters: Uncertain significance (3). Last evaluated 2025-12-28.

Conditions:
Familial thoracic aortic aneurysm and aortic dissection (TAAD). Also called: Thoracic aortic aneurysms and dissections. Identifiers: Orphanet 91387, MedGen C4707243, MONDO:0019625.

Allele frequency attached by ClinVar (database versions not stated): gnomAD 0.00002; TOPMed 0.00003; gnomAD exomes 0.00006.
gnomAD v4.1: 55 of 969,000 alleles (0.0057%); highest among the groups gnomAD compares: Middle Eastern, 0.098%; no homozygotes.

Submissions (3):

Labcorp Genetics (formerly Invitae), Labcorp
Classification: Uncertain significance for Familial thoracic aortic aneurysm and aortic dissection. Last evaluated: 2025-12-28. Review status: criteria provided, single submitter. Criteria: Invitae Variant Classification Sherloc (09022015). Collection method: clinical testing. Allele origin: germline.
Comment: This sequence change replaces alanine, which is neutral and non-polar, with valine, which is neutral and non-polar, at codon 24 of the TGFBR1 protein (p.Ala24Val). The frequency data for this variant in the population databases is considered unreliable, as metrics indicate insufficient coverage at this position in the gnomAD database. This variant has not been reported in the literature in individuals affected with TGFBR1-related conditions. ClinVar contains an entry for this variant (Variation ID: 641375). Invitae Evidence Modeling of protein sequence and biophysical properties (such as structural, functional, and spatial information, amino acid conservation, physicochemical variation, residue mobility, and thermodynamic stability) indicates that this missense variant is not expected to disrupt TGFBR1 protein function with a negative predictive value of 95%. In summary, the available evidence is currently insufficient to determine the role of this variant in disease. Therefore, it has been classified as a Variant of Uncertain Significance.

Ambry Genetics
Classification: Uncertain significance for Familial thoracic aortic aneurysm and aortic dissection. Last evaluated: 2024-10-07. Review status: criteria provided, single submitter. Criteria: Ambry Variant Classification Scheme 2023. Collection method: clinical testing. Allele origin: germline.
Comment: The p.A24V variant (also known as c.71C>T), located in coding exon 1 of the TGFBR1 gene, results from a C to T substitution at nucleotide position 71. The alanine at codon 24 is replaced by valine, an amino acid with similar properties. This amino acid position is conserved. In addition, this alteration is predicted to be tolerated by in silico analysis. Since supporting evidence is limited at this time, the clinical significance of this alteration remains unclear.

GeneDx
Classification: Uncertain significance. Last evaluated: 2024-01-17. Review status: criteria provided, single submitter. Criteria: GeneDx Variant Classification Process June 2021. Collection method: clinical testing. Allele origin: germline. Affected: yes.
Comment: Has not been previously published as pathogenic or benign to our knowledge; In silico analysis supports that this missense variant does not alter protein structure/function; Not observed at significant frequency in large population cohorts (gnomAD)